The following is an entry in ClinVar:

ClinVar aggregate classification (germline): Uncertain significance (1 of 4 stars; one submission).

Submission:

GeneDx
Classification: Uncertain significance. Last evaluated: 2026-04-16. Review status: criteria provided, single submitter. Criteria: GeneDx Variant Classification Process June 2021. Collection method: clinical testing. Allele origin: germline.
Comment: Not observed at significant frequency in large population cohorts (gnomAD); In silico analysis supports that this missense variant has a deleterious effect on protein structure/function; Has not been previously published as pathogenic or benign to our knowledge

NM_013275.6(ANKRD11):c.670G>A (p.Gly224Ser)

Gene: ANKRD11 (ankyrin repeat domain 11; minus strand). Cytogenetic location: 16q24.3.
Variant type: single nucleotide variant.
Coding change: c.670G>A on transcript NM_013275.6 (MANE Select); coding-DNA position 670, G replaced by A.
Protein change: p.Gly224Ser; replaces glycine 224 with serine.
Molecular consequence: missense variant. On other transcripts: non-coding transcript variant (1).
Genome position (GRCh38, 1-based): chr16:89,288,602, C>T on the plus strand (G>A on the coding strand, the complement: ANKRD11 is on the minus strand). VCF-style: chr16-89288602-C-T. GRCh37 (hg19) VCF-style: chr16-89355010-C-T.
Other names: c.670G>A, p.Gly224Ser (NM_001256182.2, NM_001256183.2); short protein forms G224S.
Identifiers: ClinVar variation 5037054 (VCV005037054.1).